The following is an entry in ClinVar:

ClinVar aggregate classification (germline): Uncertain significance. Review status: criteria provided, multiple submitters, no conflicts (2 of 4 stars). 3 submissions from 3 submitters: Uncertain significance (2). 1 of the submissions does not count toward it. Last evaluated 2025-07-09.

Conditions:
FCHO1-related disorder. Also called: FCHO1-related condition.

Allele frequency attached by ClinVar (database versions not stated): gnomAD exomes below 0.00001 and 0.00003; gnomAD 0.00001; TOPMed 0.00001.
gnomAD v4.1: 18 of 1,610,398 alleles (0.0011%); highest among the groups gnomAD compares: Admixed American, 0.0033%; no homozygotes.

Submissions (4):

GeneDx
Classification: Uncertain significance. Last evaluated: 2025-07-09. Review status: criteria provided, single submitter. Criteria: GeneDx Variant Classification Process June 2021. Collection method: clinical testing. Allele origin: germline. Affected: yes.
Comment: Not observed at significant frequency in large population cohorts (gnomAD); In silico analysis supports a deleterious effect on splicing; Has not been previously published as pathogenic or benign to our knowledge

Labcorp Genetics (formerly Invitae), Labcorp
Classification: Uncertain significance. Last evaluated: 2021-10-05. Review status: criteria provided, single submitter. Criteria: Invitae Variant Classification Sherloc (09022015). Collection method: clinical testing. Allele origin: germline.
Comment: This sequence change falls in intron 7 of the FCHO1 gene. It does not directly change the encoded amino acid sequence of the FCHO1 protein. It affects a nucleotide within the consensus splice site of the intron. The frequency data for this variant in the population databases is considered unreliable, as metrics indicate poor data quality at this position in the ExAC database. This variant has not been reported in the literature in individuals affected with FCHO1-related conditions. Variants that disrupt the consensus splice site are a relatively common cause of aberrant splicing (PMID: 17576681, 9536098). Algorithms developed to predict the effect of sequence changes on RNA splicing suggest that this variant may disrupt the consensus splice site. In summary, the available evidence is currently insufficient to determine the role of this variant in disease. Therefore, it has been classified as a Variant of Uncertain Significance.

PreventionGenetics, part of Exact Sciences
Classification: Likely benign for FCHO1-related condition. Last evaluated: 2024-04-23. Review status: no assertion criteria provided. Collection method: clinical testing. Allele origin: germline. Not counted in ClinVar's aggregate classification.
Comment: This variant is classified as likely benign based on ACMG/AMP sequence variant interpretation guidelines (Richards et al. 2015 PMID: 25741868, with internal and published modifications).

Dr. Peter K. Rogan Lab, Western University
No classification provided (evidence only). Condition: Uterine corpus endometrial carcinoma. Review status: no classification provided. Collection method: in vitro. Allele origin: not applicable. Functional consequence: retained intron. Not counted in ClinVar's aggregate classification.

Literature cited by the submitters: PubMed 17576681 (cited by Labcorp Genetics (formerly Invitae), Labcorp); PubMed 9536098 (cited by Labcorp Genetics (formerly Invitae), Labcorp).

NM_015122.3(FCHO1):c.336+6T>A

Gene: FCHO1 (FCH and mu domain containing endocytic adaptor 1; plus strand). Cytogenetic location: 19p13.11.
Variant type: single nucleotide variant.
Coding change: c.336+6T>A on transcript NM_015122.3 (MANE Select); 6 bases into the intron after coding-DNA position 336, T replaced by A.
Molecular consequence: intron variant.
Genome position (GRCh38, 1-based): chr19:17,766,816, T>A. VCF-style: chr19-17766816-T-A. GRCh37 (hg19) VCF-style: chr19-17877625-T-A.
Other names: c.336+6T>A (NM_001161357.1, NM_001384370.1, NM_001384396.1 and 30 more transcripts); c.261+6T>A (NM_001384390.1); c.186+6T>A (NM_001384406.1, NM_001384407.1, NM_001384384.1 and 3 more transcripts).
Identifiers: ClinVar variation 1353417 (VCV001353417.7), dbSNP rs749004797, ClinGen allele CA9300050.